The following is an entry in ClinVar:

ClinVar aggregate classification (germline): Uncertain significance (1 of 4 stars; one submission).

Conditions:
Fanconi anemia (FA). Also called: Fanconi's anemia. Identifiers: Orphanet 84, MedGen C0015625, MeSH D005199, MONDO:0019391.

gnomAD v4.1: 3 of 1,613,922 alleles (0.00019%); highest among the groups gnomAD compares: Non-Finnish European, 0.00025%; no homozygotes.

Submission:

Labcorp Genetics (formerly Invitae), Labcorp
Classification: Uncertain significance for Fanconi anemia. Last evaluated: 2021-11-16. Review status: criteria provided, single submitter. Criteria: Invitae Variant Classification Sherloc (09022015). Collection method: clinical testing. Allele origin: germline.
Comment: This sequence change replaces valine, which is neutral and non-polar, with leucine, which is neutral and non-polar, at codon 1216 of the FANCI protein (p.Val1216Leu). This variant is not present in population databases (gnomAD no frequency). This variant has not been reported in the literature in individuals affected with FANCI-related conditions. Algorithms developed to predict the effect of missense changes on protein structure and function (SIFT, PolyPhen-2, Align-GVGD) all suggest that this variant is likely to be tolerated. In summary, the available evidence is currently insufficient to determine the role of this variant in disease. Therefore, it has been classified as a Variant of Uncertain Significance.

NM_001113378.2(FANCI):c.3646G>T (p.Val1216Leu)

Gene: FANCI (FA complementation group I; plus strand). Cytogenetic location: 15q26.1.
Variant type: single nucleotide variant.
Coding change: c.3646G>T on transcript NM_001113378.2 (MANE Select); coding-DNA position 3646, G replaced by T.
Protein change: p.Val1216Leu; replaces valine 1216 with leucine.
Molecular consequence: missense variant.
Genome position (GRCh38, 1-based): chr15:89,307,667, G>T. VCF-style: chr15-89307667-G-T. GRCh37 (hg19) VCF-style: chr15-89850898-G-T.
Other names: c.3367G>T, p.Val1123Leu (NM_001376910.1); c.3646G>T, p.Val1216Leu (NM_001376911.1); c.3466G>T, p.Val1156Leu (NM_018193.3); short protein forms V1123L, V1156L, V1216L.
Identifiers: ClinVar variation 1395883 (VCV001395883.3), dbSNP rs978000003, ClinGen allele CA274527278.
Genomic context (GRCh38, chr15:89,307,667, plus strand): 5'-GTGCAGGTGAAGCTGTCTGGTTCTCATCTGACCCCCCTGTGTTATTCTTTCATTTCTTAC[G>T]TACAGGTAAGAGATTCAGAGGCAGTACCCAATAGGTCTTCAAGAAAGGATTTCTTACATG-3'
Protein context (NP_001106849.1, residues 1206-1226): TPLCYSFISY[Val1216Leu]QNKSKSLNYT